The following is an entry in ClinVar:

NM_001193315.2(VIPAS39):c.45C>G (p.Ser15=)

Gene: VIPAS39 (VPS33B interacting protein, apical-basolateral polarity regulator, spe-39 homolog; minus strand). Cytogenetic location: 14q24.3.
Variant type: single nucleotide variant.
Coding change: c.45C>G on transcript NM_001193315.2 (MANE Select); coding-DNA position 45, C replaced by G.
Protein change: p.Ser15=; no amino-acid change (serine 15 retained).
Molecular consequence: synonymous variant. On other transcripts: non-coding transcript variant (1).
Genome position (GRCh38, 1-based): chr14:77,454,058, G>C on the plus strand (C>G on the coding strand, the complement: VIPAS39 is on the minus strand). VCF-style: chr14-77454058-G-C. GRCh37 (hg19) VCF-style: chr14-77920401-G-C.
Other names: c.45C>G, p.Ser15= (NM_001193314.2, NM_001193316.2, NM_001193317.2 and 15 more transcripts).
Identifiers: ClinVar variation 3053619 (VCV003053619.2), dbSNP rs1171501078, ClinGen allele CA487325823.

ClinVar aggregate classification (germline): Likely benign (0 of 4 stars; one submission).

Conditions:
VIPAS39-related disorder. Also called: VIPAS39-related condition.

Allele frequency attached by ClinVar (database versions not stated): gnomAD exomes below 0.00001; TOPMed below 0.00001; gnomAD 0.00001.
gnomAD v4.1: 2 of 1,614,030 alleles (0.00012%); highest among the groups gnomAD compares: Non-Finnish European, 0.00017%; no homozygotes.

Submission:

PreventionGenetics, part of Exact Sciences
Classification: Likely benign for VIPAS39-related condition. Last evaluated: 2019-09-03. Review status: no assertion criteria provided. Collection method: clinical testing. Allele origin: germline.
Comment: This variant is classified as likely benign based on ACMG/AMP sequence variant interpretation guidelines (Richards et al. 2015 PMID: 25741868, with internal and published modifications).